The following is an entry in ClinVar:

NM_020320.5(RARS2):c.770A>G (p.Lys257Arg)

Gene: RARS2 (arginyl-tRNA synthetase 2, mitochondrial; minus strand). Cytogenetic location: 6q15.
Variant type: single nucleotide variant.
Coding change: c.770A>G on transcript NM_020320.5 (MANE Select); coding-DNA position 770, A replaced by G.
Protein change: p.Lys257Arg; replaces lysine 257 with arginine.
Molecular consequence: missense variant. On other transcripts: non-coding transcript variant (23).
Genome position (GRCh38, 1-based): chr6:87,530,785, T>C on the plus strand (A>G on the coding strand, the complement: RARS2 is on the minus strand). VCF-style: chr6-87530785-T-C. GRCh37 (hg19) VCF-style: chr6-88240503-T-C.
Other names: c.245A>G, p.Lys82Arg (NM_001318785.2, NM_001350506.2, NM_001350507.2 and 4 more transcripts); c.770A>G, p.Lys257Arg (NM_001350505.2); short protein forms K257R, K82R.
Identifiers: ClinVar variation 4686747 (VCV004686747.1).

ClinVar aggregate classification (germline): Uncertain significance (1 of 4 stars; one submission).

Submission:

GeneDx
Classification: Uncertain significance. Last evaluated: 2025-07-24. Review status: criteria provided, single submitter. Criteria: GeneDx Variant Classification Process June 2021. Collection method: clinical testing. Allele origin: germline. Affected: yes.
Comment: Identified as a de novo variant in a patient with pulmonary arterial hypertension; the patient was also reported to have an additional de novo variant in a different gene (PMID: 29631995); Not observed at significant frequency in large population cohorts (gnomAD); In silico analysis suggests that this missense variant does not alter protein structure/function; This variant is associated with the following publications: (PMID: 29631995)